The following is an entry in ClinVar:

ClinVar aggregate classification (germline): Uncertain significance. Review status: criteria provided, multiple submitters, no conflicts (2 of 4 stars). 8 submissions from 7 submitters: Uncertain significance (6). 2 of the submissions do not count toward it. Last evaluated 2026-09-08.

Conditions:
Cardiovascular phenotype. Identifiers: MedGen CN230736.
Fabry disease. Also called: ALPHA-GALACTOSIDASE A DEFICIENCY; ANDERSON-FABRY DISEASE; CERAMIDE TRIHEXOSIDASE DEFICIENCY; Fabry's disease; Angiokeratoma corporis diffusum; Ceramide trihexosidosis. Identifiers: Orphanet 324, MedGen C0002986, MONDO:0010526, OMIM 301500, HP:0001071. Disease mechanism: loss of function, Fabry disease is due to inactivating mutations in the X-linked GLA gene resulting in deficiency of the enzyme Alpha Galactosidase-A..
Migalastat response. Also called: 1-Deoxygalactonojirimycin response; Galafold response. Identifiers: MedGen CN233149.

Allele frequency attached by ClinVar (database versions not stated): TOPMed 0.00001.

Submissions (8):

Genomenon, Inc
Classification: Uncertain significance for Fabry disease. Last evaluated: 2026-09-08. Review status: criteria provided, single submitter. Criteria: Genomenon Sequence Variant Interpretation Standards - Updated. Collection method: curation. Allele origin: germline. Affected: no.
Comment: GLA p.Pro323Arg (c.968C>G) is a missense variant that changes the amino acid at codon 323 from Proline to Arginine. This variant has been reported in the published literature (PMID:35870541;26415523). It is absent or not present at a significant frequency in gnomAD. In conclusion, we classify GLA p.Pro323Arg (c.968C>G) as a variant of uncertain significance.

Ambry Genetics
Classification: Uncertain significance for Cardiovascular phenotype. Last evaluated: 2024-12-03. Review status: criteria provided, single submitter. Criteria: Ambry Variant Classification Scheme 2023. Collection method: clinical testing. Allele origin: germline.
Comment: The p.P323R variant (also known as c.968C>G), located in coding exon 6 of the GLA gene, results from a C to G substitution at nucleotide position 968. The proline at codon 323 is replaced by arginine, an amino acid with dissimilar properties. In an assay testing GLA function, this variant showed a functionally indeterminant result (Lukas J et al. Hum Mutat, 2016 Jan;37:43-51). This amino acid position is not well conserved in available vertebrate species. In addition, the in silico prediction for this alteration is inconclusive. Based on the available evidence, the clinical significance of this variant remains unclear.

Women's Health and Genetics/Laboratory Corporation of America, LabCorp
Classification: Uncertain significance. Last evaluated: 2024-07-24. Review status: criteria provided, single submitter. Criteria: LabCorp Variant Classification Summary - May 2015. Collection method: clinical testing. Allele origin: germline.
Comment: Variant summary: GLA c.968C>G (p.Pro323Arg) results in a non-conservative amino acid change in the encoded protein sequence. Four of five in-silico tools predict a damaging effect of the variant on protein function. The variant was absent in 183503 control chromosomes. The available data on variant occurrences in the general population are insufficient to allow any conclusion about variant significance. c.968C>G has been reported in the literature in at-least one individual with clinical features of GLA-related condition (example: Lukas_2016) . These report(s) do not provide unequivocal conclusions about association of the variant with Fabry Disease. At least one publication reports experimental evidence evaluating an impact on protein function. The most pronounced variant effect results in >50%-90% of normal activity (Lukas_2016). The following publication has been ascertained in the context of this evaluation (PMID: 26415523). ClinVar contains an entry for this variant (Variation ID: 217406). Based on the evidence outlined above, the variant was classified as uncertain significance.

Color Diagnostics, LLC DBA Color Health
Classification: Uncertain significance for Fabry disease. Last evaluated: 2024-01-03. Review status: criteria provided, single submitter. Criteria: ACMG Guidelines, 2015. Collection method: clinical testing. Allele origin: germline.
Comment: This missense variant replaces proline with arginine at codon 323 of the GLA protein. Computational prediction tools indicate that this variant's impact on protein structure and function is inconclusive. A functional study has shown that this variant leads to 63% residual alpha-galactosidase A (GLA) enzyme activity in transfected cells (PMID: 26415523). This variant has been reported in one individual suspected to be affected with Fabry disease (PMID: 26415523). This variant has not been identified in the general population by the Genome Aggregation Database (gnomAD). The available evidence is insufficient to determine the role of this variant in disease conclusively. Therefore, this variant is classified as a Variant of Uncertain Significance.

All of Us Research Program, National Institutes of Health
Classification: Uncertain significance for Fabry disease. Last evaluated: 2023-06-26. Review status: criteria provided, single submitter. Criteria: ACMG Guidelines, 2015. Collection method: clinical testing. Allele origin: germline. Inheritance: X-linked inheritance. Observed: 1 variant allele, 1 heterozygote.
Comment: This missense variant replaces proline with arginine at codon 323 of the GLA protein. Computational prediction is inconclusive regarding the impact of this variant on protein structure and function (internally defined REVEL score threshold 0.5 < inconclusive < 0.7, PMID: 27666373). To our knowledge, functional studies have not been reported for this variant. This variant has not been reported in individuals affected with cardiovascular disorders in the literature. This variant has not been identified in the general population by the Genome Aggregation Database (gnomAD). The available evidence is insufficient to determine the role of this variant in disease conclusively. Therefore, this variant is classified as a Variant of Uncertain Significance.

This study involves interpretation of variants in research participants for the purpose of population health screening. Participant phenotype was not available at the time of variant classification. Additional details can be found in publication PMID: 35346344, PMCID: PMC8962531

Labcorp Genetics (formerly Invitae), Labcorp
Classification: Uncertain significance for Fabry disease. Last evaluated: 2021-08-31. Review status: criteria provided, single submitter. Criteria: Invitae Variant Classification Sherloc (09022015). Collection method: clinical testing. Allele origin: germline.
Comment: This sequence change replaces proline with arginine at codon 323 of the GLA protein (p.Pro323Arg). The proline residue is highly conserved and there is a moderate physicochemical difference between proline and arginine. This variant is not present in population databases (ExAC no frequency). This missense change has been observed in individual(s) with clinical features of GLA-related conditions (PMID: 26415523). ClinVar contains an entry for this variant (Variation ID: 217406). Algorithms developed to predict the effect of missense changes on protein structure and function output the following: SIFT: "Tolerated"; PolyPhen-2: "Benign"; Align-GVGD: "Class C0". The arginine amino acid residue is found in multiple mammalian species, which suggests that this missense change does not adversely affect protein function. Experimental studies are conflicting or provide insufficient evidence to determine the effect of this variant on GLA function (PMID: 26415523). In summary, the available evidence is currently insufficient to determine the role of this variant in disease. Therefore, it has been classified as a Variant of Uncertain Significance.

Albrecht-Kossel-Institute, Medical University Rostock
Classification: Uncertain significance for Fabry's disease. Last evaluated: 2014-01-01. Review status: no assertion criteria provided. Collection method: research. Allele origin: inherited. Not counted in ClinVar's aggregate classification.

Albrecht-Kossel-Institute, Medical University Rostock
Classification: drug response for deoxygalactonojirimycin response. Last evaluated: 2014-01-01. Review status: no assertion criteria provided. Collection method: research. Allele origin: inherited. Not counted in ClinVar's aggregate classification.

Literature cited by the submitters: PubMed 35870541 (cited by Genomenon, Inc); PubMed 26415523 (cited by 6 submitters).

NM_000169.3(GLA):c.968C>G (p.Pro323Arg)

Genes: GLA (galactosidase alpha; minus strand), RPL36A-HNRNPH2 (RPL36A-HNRNPH2 readthrough; plus strand). Cytogenetic location: Xq22.1.
Variant type: single nucleotide variant.
Coding change: c.968C>G on transcript NM_000169.3 (MANE Select); coding-DNA position 968, C replaced by G.
Protein change: p.Pro323Arg; replaces proline 323 with arginine.
Molecular consequence: missense variant. On other transcripts: non-coding transcript variant (3), intron variant (2).
Genome position (GRCh38, 1-based): chrX:101,398,401, G>C on the plus strand (C>G on the coding strand, the complement: GLA is on the minus strand). VCF-style: chrX-101398401-G-C. GRCh37 (hg19) VCF-style: chrX-100653389-G-C.
Other names: c.1091C>G, p.Pro364Arg (NM_001406747.1); c.968C>G, p.Pro323Arg (NM_001406748.1); c.300+2944G>C (NM_001199973.2); c.177+6579G>C (NM_001199974.2); short protein forms P323R, P364R.
Identifiers: ClinVar variation 217406 (VCV000217406.10), dbSNP rs869312159, ClinGen allele CA353099.